The following is an entry in ClinVar:

ClinVar aggregate classification (germline): Uncertain significance (1 of 4 stars; one submission).

Submission:

Ambry Genetics
Classification: Uncertain significance. Last evaluated: 2025-08-23. Review status: criteria provided, single submitter. Criteria: Ambry Variant Classification Scheme 2023. Collection method: clinical testing. Allele origin: germline.
Comment: The p.A2109E variant (also known as c.6326C>A), located in coding exon 27 of the WNK2 gene, results from a C to A substitution at nucleotide position 6326. The alanine at codon 2109 is replaced by glutamic acid, an amino acid with dissimilar properties. This amino acid position is conserved. In addition, the in silico prediction for this alteration is inconclusive. Based on the available evidence, the clinical significance of this variant remains unclear.

NM_006648.4(WNK2):c.6326C>A (p.Ala2109Glu)

Gene: WNK2 (WNK lysine deficient protein kinase 2; plus strand). Cytogenetic location: 9q22.31.
Variant type: single nucleotide variant.
Coding change: c.6326C>A on transcript NM_006648.4 (MANE Select); coding-DNA position 6326, C replaced by A.
Protein change: p.Ala2109Glu; replaces alanine 2109 with glutamic acid.
Molecular consequence: missense variant.
Genome position (GRCh38, 1-based): chr9:93,308,394, C>A. VCF-style: chr9-93308394-C-A. GRCh37 (hg19) VCF-style: chr9-96070676-C-A.
Other names: c.6437C>A, p.Ala2146Glu (NM_001282394.3); short protein forms A2109E, A2146E.
Identifiers: ClinVar variation 4201807 (VCV004201807.1).